The following is an entry in ClinVar:

ClinVar aggregate classification (germline): Likely benign. Review status: criteria provided, multiple submitters, no conflicts (2 of 4 stars). 2 submissions from 2 submitters: Likely benign (2). Last evaluated 2025-12-01.

Allele frequency attached by ClinVar (database versions not stated): gnomAD exomes below 0.00001.
gnomAD v4.1: 3 of 1,613,322 alleles (0.00019%); highest among the groups gnomAD compares: East Asian, 0.0045%; no homozygotes.

Submissions (2):

CeGaT Center for Human Genetics Tuebingen
Classification: Likely benign. Last evaluated: 2025-12-01. Review status: criteria provided, single submitter. Criteria: CeGaT Center For Human Genetics Tuebingen Variant Classification Criteria Version 2. Collection method: clinical testing. Allele origin: germline. Affected: yes. Observed: 1 variant allele.
Comment: COL9A2: BP4, BP7

Labcorp Genetics (formerly Invitae), Labcorp
Classification: Likely benign. Last evaluated: 2022-10-30. Review status: criteria provided, single submitter. Criteria: Invitae Variant Classification Sherloc (09022015). Collection method: clinical testing. Allele origin: germline.

NM_001852.4(COL9A2):c.1965A>G (p.Pro655=)

Gene: COL9A2 (collagen type IX alpha 2 chain; minus strand). Cytogenetic location: 1p34.2.
Variant type: single nucleotide variant.
Coding change: c.1965A>G on transcript NM_001852.4 (MANE Select); coding-DNA position 1965, A replaced by G.
Protein change: p.Pro655=; no amino-acid change (proline 655 retained).
Molecular consequence: synonymous variant.
Genome position (GRCh38, 1-based): chr1:40,301,287, T>C on the plus strand (A>G on the coding strand, the complement: COL9A2 is on the minus strand). VCF-style: chr1-40301287-T-C. GRCh37 (hg19) VCF-style: chr1-40766959-T-C.
Identifiers: ClinVar variation 2801408 (VCV002801408.8), dbSNP rs1225804636, ClinGen allele CA417330404.